The following is an entry in ClinVar:

ClinVar aggregate classification (germline): Uncertain significance (1 of 4 stars; one submission).

Conditions:
Acute myeloid leukemia (AML). Also called: Leukemia, acute myeloid, somatic; Leukemia, acute myelogenous, somatic; Acute myeloid leukemia, adult; AML adult; Acute non-lymphocytic leukemia; Acute granulocytic leukemia. Identifiers: Orphanet 519, MedGen C0023467, MeSH D015470, MONDO:0018874, OMIM 601626, HP:0004808. Disease mechanism: Constitutively activated FLT3.

Submission:

Labcorp Genetics (formerly Invitae), Labcorp
Classification: Uncertain significance for Acute myeloid leukemia. Last evaluated: 2025-12-19. Review status: criteria provided, single submitter. Criteria: Invitae Variant Classification Sherloc (09022015). Collection method: clinical testing. Allele origin: germline.
Comment: This sequence change creates a premature translational stop signal (p.Ser277*) in the CEBPA gene. While this is not anticipated to result in nonsense mediated decay, it is expected to disrupt the last 82 amino acid(s) of the CEBPA protein. This variant is not present in population databases (gnomAD no frequency). This variant has not been reported in the literature in individuals affected with CEBPA-related conditions. ClinVar contains an entry for this variant (Variation ID: 1525902). Experimental studies and prediction algorithms are not available or were not evaluated, and the functional significance of this variant is currently unknown. In summary, the available evidence is currently insufficient to determine the role of this variant in disease. Therefore, it has been classified as a Variant of Uncertain Significance.

NM_004364.5(CEBPA):c.830C>A (p.Ser277Ter)

Gene: CEBPA (CCAAT enhancer binding protein alpha; minus strand). Cytogenetic location: 19q13.11.
Variant type: single nucleotide variant.
Coding change: c.830C>A on transcript NM_004364.5 (MANE Select); coding-DNA position 830, C replaced by A.
Protein change: p.Ser277Ter; replaces serine 277 with a stop codon.
Molecular consequence: nonsense.
Genome position (GRCh38, 1-based): chr19:33,301,585, G>T on the plus strand (C>A on the coding strand, the complement: CEBPA is on the minus strand). VCF-style: chr19-33301585-G-T. GRCh37 (hg19) VCF-style: chr19-33792491-G-T.
Other names: c.473C>A, p.Ser158Ter (NM_001285829.2); c.935C>A, p.Ser312Ter (NM_001287424.2); c.788C>A, p.Ser263Ter (NM_001287435.2); short protein forms S263*, S158*, S277*, S312*.
Identifiers: ClinVar variation 1525902 (VCV001525902.6), dbSNP rs1269133775, ClinGen allele CA405274126.